The following is an entry in ClinVar:

ClinVar aggregate classification (germline): Uncertain significance. Review status: criteria provided, multiple submitters, no conflicts (2 of 4 stars). 3 submissions from 3 submitters: Uncertain significance (3). Last evaluated 2025-10-01.

Conditions:
HSD17B4-related disorder. Also called: HSD17B4-related disorders; HSD17B4-related condition.
Perrault syndrome. Also called: Gonadal dysgenesis with auditory dysfunction, autosomal recessive inheritance. Identifiers: Orphanet 2855, MedGen C0685838, MONDO:0017312.
Bifunctional peroxisomal enzyme deficiency (DBIF). Also called: PBFE DEFICIENCY; D-bifunctional protein deficiency; DBP DEFICIENCY. Identifiers: Orphanet 300, MedGen C0342870, MONDO:0009855, OMIM 261515. Disease mechanism: loss of function.

Allele frequency attached by ClinVar (database versions not stated): gnomAD 0.00001; gnomAD exomes 0.00002 and 0.00006; TOPMed 0.00003; ExAC 0.00004.
gnomAD v4.1: 14 of 1,612,866 alleles (0.00087%); highest among the groups gnomAD compares: Admixed American, 0.023%; no homozygotes.

Submissions (3):

Labcorp Genetics (formerly Invitae), Labcorp
Classification: Uncertain significance for Perrault syndrome; Bifunctional peroxisomal enzyme deficiency. Last evaluated: 2025-10-01. Review status: criteria provided, single submitter. Criteria: Invitae Variant Classification Sherloc (09022015). Collection method: clinical testing. Allele origin: germline.
Comment: This sequence change replaces alanine, which is neutral and non-polar, with threonine, which is neutral and polar, at codon 54 of the HSD17B4 protein (p.Ala54Thr). This variant is present in population databases (rs758207228, gnomAD 0.03%). This variant has not been reported in the literature in individuals affected with HSD17B4-related conditions. ClinVar contains an entry for this variant (Variation ID: 1364235). Invitae Evidence Modeling of protein sequence and biophysical properties (such as structural, functional, and spatial information, amino acid conservation, physicochemical variation, residue mobility, and thermodynamic stability) has been performed for this missense variant. However, the output from this modeling did not meet the statistical confidence thresholds required to predict the impact of this variant on HSD17B4 protein function. In summary, the available evidence is currently insufficient to determine the role of this variant in disease. Therefore, it has been classified as a Variant of Uncertain Significance.

Women's Health and Genetics/Laboratory Corporation of America, LabCorp
Classification: Uncertain significance. Last evaluated: 2024-04-19. Review status: criteria provided, single submitter. Criteria: LabCorp Variant Classification Summary - May 2015. Collection method: clinical testing. Allele origin: germline.
Comment: Variant summary: HSD17B4 c.160G>A (p.Ala54Thr) results in a non-conservative amino acid change in the encoded protein sequence. Four of five in-silico tools predict a damaging effect of the variant on protein function. The variant allele was found at a frequency of 6e-05 in 251226 control chromosomes. This frequency is not significantly higher than estimated for a pathogenic variant in HSD17B4 causing D-Bifunctional Protein Deficiency (6e-05 vs 0.003), allowing no conclusion about variant significance. To our knowledge, no occurrence of c.160G>A in individuals affected with D-Bifunctional Protein Deficiency and no experimental evidence demonstrating its impact on protein function have been reported. ClinVar contains an entry for this variant (Variation ID: 1364235). Based on the evidence outlined above, the variant was classified as uncertain significance.

Daryl Scott Lab, Baylor College of Medicine
Classification: Uncertain significance for HSD17B4-related disorder. Last evaluated: 2024-01-01. Review status: criteria provided, single submitter. Criteria: ACMG Guidelines, 2015. Collection method: clinical testing. Allele origin: paternal. Observed: 1 heterozygote.
Comment: PM2, PP3

NM_000414.4(HSD17B4):c.160G>A (p.Ala54Thr)

Gene: HSD17B4 (hydroxysteroid 17-beta dehydrogenase 4; plus strand). Cytogenetic location: 5q23.1.
Variant type: single nucleotide variant.
Coding change: c.160G>A on transcript NM_000414.4 (MANE Select); coding-DNA position 160, G replaced by A.
Protein change: p.Ala54Thr; replaces alanine 54 with threonine.
Molecular consequence: missense variant. On other transcripts: 5 prime UTR variant (6), non-coding transcript variant (2).
Genome position (GRCh38, 1-based): chr5:119,473,955, G>A. VCF-style: chr5-119473955-G-A. GRCh37 (hg19) VCF-style: chr5-118809650-G-A.
Other names: c.235G>A, p.Ala79Thr (NM_001199291.3); c.106G>A, p.Ala36Thr (NM_001199292.2); c.88G>A, p.Ala30Thr (NM_001292027.2); c.-252G>A (NM_001292028.2, NM_001374501.1); c.160G>A, p.Ala54Thr (NM_001374497.1, NM_001374498.1); c.-121G>A (NM_001374499.1); c.-379G>A (NM_001374500.1); c.-257G>A (NM_001374502.1, NM_001374503.1); short protein forms A36T, A79T, A30T, A54T.
Identifiers: ClinVar variation 1364235 (VCV001364235.6), dbSNP rs758207228, ClinGen allele CA3381701.